The following is an entry in ClinVar:

NM_212482.4(FN1):c.3716C>G (p.Pro1239Arg)

Gene: FN1 (fibronectin 1; minus strand). Cytogenetic location: 2q35.
Variant type: single nucleotide variant.
Coding change: c.3716C>G on transcript NM_212482.4 (MANE Select); coding-DNA position 3716, C replaced by G.
Protein change: p.Pro1239Arg; replaces proline 1239 with arginine.
Molecular consequence: missense variant.
Genome position (GRCh38, 1-based): chr2:215,394,608, G>C on the plus strand (C>G on the coding strand, the complement: FN1 is on the minus strand). VCF-style: chr2-215394608-G-C. GRCh37 (hg19) VCF-style: chr2-216259331-G-C.
Other names: c.3716C>G, p.Pro1239Arg (NM_001306129.2, NM_001306130.2, NM_001306131.2 and 13 more transcripts); short protein forms P1239R.
Identifiers: ClinVar variation 2106267 (VCV002106267.4), dbSNP rs2469815804, ClinGen allele CA350486206.

ClinVar aggregate classification (germline): Uncertain significance (1 of 4 stars; one submission).

Submission:

Labcorp Genetics (formerly Invitae), Labcorp
Classification: Uncertain significance. Last evaluated: 2022-09-14. Review status: criteria provided, single submitter. Criteria: Invitae Variant Classification Sherloc (09022015). Collection method: clinical testing. Allele origin: germline.
Comment: This variant has not been reported in the literature in individuals affected with FN1-related conditions. This variant is not present in population databases (gnomAD no frequency). This sequence change replaces proline, which is neutral and non-polar, with arginine, which is basic and polar, at codon 1239 of the FN1 protein (p.Pro1239Arg). In summary, the available evidence is currently insufficient to determine the role of this variant in disease. Therefore, it has been classified as a Variant of Uncertain Significance. Advanced modeling of protein sequence and biophysical properties (such as structural, functional, and spatial information, amino acid conservation, physicochemical variation, residue mobility, and thermodynamic stability) performed at Invitae indicates that this missense variant is expected to disrupt FN1 protein function.